The following is an entry in ClinVar:

NM_006946.4(SPTBN2):c.3610C>T (p.Leu1204Phe)

Gene: SPTBN2 (spectrin beta, non-erythrocytic 2; minus strand). Cytogenetic location: 11q13.2.
Variant type: single nucleotide variant.
Coding change: c.3610C>T on transcript NM_006946.4 (MANE Select); coding-DNA position 3610, C replaced by T.
Protein change: p.Leu1204Phe; replaces leucine 1204 with phenylalanine.
Molecular consequence: missense variant.
Genome position (GRCh38, 1-based): chr11:66,699,572, G>A on the plus strand (C>T on the coding strand, the complement: SPTBN2 is on the minus strand). VCF-style: chr11-66699572-G-A. GRCh37 (hg19) VCF-style: chr11-66467043-G-A.
Other names: c.3631C>T, p.Leu1211Phe (NM_001411025.1); short protein forms L1211F, L1204F.
Identifiers: ClinVar variation 2090745 (VCV002090745.4), dbSNP rs771435460, ClinGen allele CA6128815.
Genomic context (GRCh38, chr11:66,699,572, plus strand): 5'-TGGCGTCCATGGTGCTCATGAAGTCCTCCAGTTTTTTAATGGCAGCATCAGCAGCCTGGA[G>A]TGTCCCTGGCATCTCCGTGTGAGACAGAACATATTCCTGTGTGGGAGGGATGACATTCAG-3'
Protein context (NP_008877.2, residues 1194-1214): VLSHTEMPGT[Leu1204Phe]QAADAAIKKL

ClinVar aggregate classification (germline): Uncertain significance (1 of 4 stars; one submission).

Allele frequency attached by ClinVar (database versions not stated): ExAC 0.00001.

Submission:

Labcorp Genetics (formerly Invitae), Labcorp
Classification: Uncertain significance. Last evaluated: 2024-04-15. Review status: criteria provided, single submitter. Criteria: Invitae Variant Classification Sherloc (09022015). Collection method: clinical testing. Allele origin: germline.
Comment: This sequence change replaces leucine, which is neutral and non-polar, with phenylalanine, which is neutral and non-polar, at codon 1204 of the SPTBN2 protein (p.Leu1204Phe). This variant is not present in population databases (gnomAD no frequency). This variant has not been reported in the literature in individuals affected with SPTBN2-related conditions. ClinVar contains an entry for this variant (Variation ID: 2090745). Advanced modeling of protein sequence and biophysical properties (such as structural, functional, and spatial information, amino acid conservation, physicochemical variation, residue mobility, and thermodynamic stability) performed at Invitae indicates that this missense variant is not expected to disrupt SPTBN2 protein function with a negative predictive value of 80%. In summary, the available evidence is currently insufficient to determine the role of this variant in disease. Therefore, it has been classified as a Variant of Uncertain Significance.